The following is an entry in ClinVar:

NM_001387690.1(KATNAL2):c.1211+857del

Gene: KATNAL2 (katanin catalytic subunit A1 like 2; plus strand). Cytogenetic location: 18q21.1.
Variant type: Deletion.
Coding change: c.1211+857del on transcript NM_001387690.1 (MANE Select); 857 bases into the intron after coding-DNA position 1211, one base deleted (C; older notation c.1211+857delC).
Molecular consequence: intron variant.
Genome position (GRCh38, 1-based): chr18:47,078,318, C deleted; the last of 8 consecutive C bases (chr18:47,078,311-47,078,318); deleting any one gives the same sequence. VCF-style (leftmost placement, unchanged base first): chr18-47078310-AC-A. GRCh37 (hg19) VCF-style: chr18-44604681-AC-A.
Other names: c.779+857del (NM_001353904.1, NM_001353909.1, NM_001353908.1); c.1289+857del (NM_001353899.1); c.1286+857del (NM_001353900.1); c.878+857del (NM_001353903.1, NM_001353907.1, NM_001353905.1 and 1 more transcripts); c.1211+857del (NM_001353901.1, NM_001367621.1); c.1190+857del (NM_001353902.1); c.995+857del (NM_031303.3).
Identifiers: ClinVar variation 2648709 (VCV002648709.24), dbSNP rs34485206, ClinGen allele CA299830096.

ClinVar aggregate classification (germline): Likely benign (1 of 4 stars; one submission).

Submission:

CeGaT Center for Human Genetics Tuebingen
Classification: Likely benign. Last evaluated: 2022-11-01. Review status: criteria provided, single submitter. Criteria: CeGaT Center For Human Genetics Tuebingen Variant Classification Criteria Version 2. Collection method: clinical testing. Allele origin: germline. Affected: yes. Observed: 1 variant allele.
Comment: KATNAL2: BS1